The following is an entry in ClinVar:

ClinVar aggregate classification (germline): Conflicting classifications of pathogenicity. Review status: criteria provided, conflicting classifications (1 of 4 stars). 2 submissions from 2 submitters: Uncertain significance (1); Likely benign (1). Last evaluated 2024-11-22.

Conditions:
Inborn genetic diseases. Identifiers: MedGen C0950123, MeSH D030342.
Fanconi anemia (FA). Also called: Fanconi's anemia. Identifiers: Orphanet 84, MedGen C0015625, MeSH D005199, MONDO:0019391.

Allele frequency attached by ClinVar (database versions not stated): gnomAD 0.00001; gnomAD exomes 0.00001; TOPMed 0.00001; ExAC 0.00002.
gnomAD v4.1: 15 of 1,613,822 alleles (0.00093%); highest among the groups gnomAD compares: Non-Finnish European, 0.0012%; no homozygotes.

Submissions (2):

Ambry Genetics
Classification: Likely benign for Inborn genetic diseases. Last evaluated: 2024-11-22. Review status: criteria provided, single submitter. Criteria: Ambry Variant Classification Scheme 2023. Collection method: clinical testing. Allele origin: germline.

Labcorp Genetics (formerly Invitae), Labcorp
Classification: Uncertain significance for Fanconi anemia. Last evaluated: 2022-05-29. Review status: criteria provided, single submitter. Criteria: Invitae Variant Classification Sherloc (09022015). Collection method: clinical testing. Allele origin: germline.
Comment: This sequence change replaces alanine, which is neutral and non-polar, with valine, which is neutral and non-polar, at codon 987 of the FANCA protein (p.Ala987Val). This variant is present in population databases (rs767606917, gnomAD 0.002%). This variant has not been reported in the literature in individuals affected with FANCA-related conditions. Advanced modeling of protein sequence and biophysical properties (such as structural, functional, and spatial information, amino acid conservation, physicochemical variation, residue mobility, and thermodynamic stability) performed at Invitae indicates that this missense variant is not expected to disrupt FANCA protein function. Algorithms developed to predict the effect of sequence changes on RNA splicing suggest that this variant may create or strengthen a splice site. In summary, the available evidence is currently insufficient to determine the role of this variant in disease. Therefore, it has been classified as a Variant of Uncertain Significance.

NM_000135.4(FANCA):c.2960C>T (p.Ala987Val)

Gene: FANCA (FA complementation group A; minus strand). Cytogenetic location: 16q24.3.
Variant type: single nucleotide variant.
Coding change: c.2960C>T on transcript NM_000135.4 (MANE Select); coding-DNA position 2960, C replaced by T.
Protein change: p.Ala987Val; replaces alanine 987 with valine.
Molecular consequence: missense variant.
Genome position (GRCh38, 1-based): chr16:89,758,598, G>A on the plus strand (C>T on the coding strand, the complement: FANCA is on the minus strand). VCF-style: chr16-89758598-G-A. GRCh37 (hg19) VCF-style: chr16-89825006-G-A.
Other names: c.2960C>T, p.Ala987Val (NM_001286167.3); short protein forms A987V.
Identifiers: ClinVar variation 2056755 (VCV002056755.3), dbSNP rs767606917, ClinGen allele CA8251421.
Genomic context (GRCh38, chr16:89,758,598, plus strand): 5'-GTCCCTCCAGAGAACCCTAATACAGTGTGTGCTGCTAACCTTTGGTGGAAATCCATCAGT[G>A]CGTTGACAAGAATGGTACACGCAGCCTGCAGGTCTCCGTCACAGCCCCCTGAAGCCGAGG-3'
Protein context (NP_000126.2, residues 977-997): LQAACTILVN[Ala987Val]LMDFHQSSRS